The following is an entry in ClinVar:

ClinVar aggregate classification (germline): Uncertain significance (1 of 4 stars; one submission).

Conditions:
Sulfite oxidase deficiency due to molybdenum cofactor deficiency type C. Also called: Molybdenum cofactor deficiency C; Molybdenum cofactor deficiency, complementation group C. Identifiers: Orphanet 308400, Orphanet 833, MedGen C1854990, MONDO:0014212, OMIM 615501.

Allele frequency attached by ClinVar (database versions not stated): TOPMed below 0.00001; gnomAD exomes 0.00001; gnomAD 0.00001.
gnomAD v4.1: 14 of 1,613,856 alleles (0.00087%); highest among the groups gnomAD compares: Non-Finnish European, 0.0012%; no homozygotes.

Submission:

Labcorp Genetics (formerly Invitae), Labcorp
Classification: Uncertain significance for Sulfite oxidase deficiency due to molybdenum cofactor deficiency type C. Last evaluated: 2022-06-19. Review status: criteria provided, single submitter. Criteria: Invitae Variant Classification Sherloc (09022015). Collection method: clinical testing. Allele origin: germline.
Comment: In summary, the available evidence is currently insufficient to determine the role of this variant in disease. Therefore, it has been classified as a Variant of Uncertain Significance. Algorithms developed to predict the effect of missense changes on protein structure and function (SIFT, PolyPhen-2, Align-GVGD) all suggest that this variant is likely to be tolerated. This variant has not been reported in the literature in individuals affected with GPHN-related conditions. This variant is not present in population databases (gnomAD no frequency). This sequence change replaces glutamic acid, which is acidic and polar, with aspartic acid, which is acidic and polar, at codon 525 of the GPHN protein (p.Glu525Asp).

NM_020806.5(GPHN):c.1575G>T (p.Glu525Asp)

Gene: GPHN (gephyrin; plus strand). Cytogenetic location: 14q23.3.
Variant type: single nucleotide variant.
Coding change: c.1575G>T on transcript NM_020806.5 (MANE Select); coding-DNA position 1575, G replaced by T.
Protein change: p.Glu525Asp; replaces glutamic acid 525 with aspartic acid.
Molecular consequence: missense variant.
Genome position (GRCh38, 1-based): chr14:67,113,120, G>T. VCF-style: chr14-67113120-G-T. GRCh37 (hg19) VCF-style: chr14-67579837-G-T.
Other names: c.1476G>T, p.Glu492Asp (NM_001024218.2); c.1635G>T, p.Glu545Asp (NM_001377514.1); c.1605G>T, p.Glu535Asp (NM_001377515.1); c.1596G>T, p.Glu532Asp (NM_001377516.1); c.1548G>T, p.Glu516Asp (NM_001377517.1); c.1533G>T, p.Glu511Asp (NM_001377518.1); c.1515G>T, p.Glu505Asp (NM_001377519.1); short protein forms E525D, E532D, E535D, E545D, E492D, E505D, E511D, E516D.
Identifiers: ClinVar variation 2047464 (VCV002047464.4), dbSNP rs2078472198, ClinGen allele CA390258843.